The following is an entry in ClinVar:

ClinVar aggregate classification (germline): Uncertain significance (1 of 4 stars; one submission).

gnomAD v4.1: 3 of 1,572,490 alleles (0.00019%); highest among the groups gnomAD compares: Middle Eastern, 0.036%; no homozygotes.

Submission:

Labcorp Genetics (formerly Invitae), Labcorp
Classification: Uncertain significance. Last evaluated: 2023-07-21. Review status: criteria provided, single submitter. Criteria: Invitae Variant Classification Sherloc (09022015). Collection method: clinical testing. Allele origin: germline.
Comment: This sequence change replaces histidine, which is basic and polar, with glutamine, which is neutral and polar, at codon 65 of the FBN3 protein (p.His65Gln). The frequency data for this variant in the population databases is considered unreliable, as metrics indicate poor data quality at this position in the gnomAD database. This variant has not been reported in the literature in individuals affected with FBN3-related conditions. ClinVar contains an entry for this variant (Variation ID: 1924339). An algorithm developed to predict the effect of missense changes on protein structure and function (PolyPhen-2) suggests that this variant is likely to be disruptive. In summary, the available evidence is currently insufficient to determine the role of this variant in disease. Therefore, it has been classified as a Variant of Uncertain Significance.

NM_032447.5(FBN3):c.195T>G (p.His65Gln)

Gene: FBN3 (fibrillin 3; minus strand). Cytogenetic location: 19p13.2.
Variant type: single nucleotide variant.
Coding change: c.195T>G on transcript NM_032447.5 (MANE Select); coding-DNA position 195, T replaced by G.
Protein change: p.His65Gln; replaces histidine 65 with glutamine.
Molecular consequence: missense variant.
Genome position (GRCh38, 1-based): chr19:8,147,159, A>C on the plus strand (T>G on the coding strand, the complement: FBN3 is on the minus strand). VCF-style: chr19-8147159-A-C. GRCh37 (hg19) VCF-style: chr19-8212043-A-C.
Other names: c.195T>G, p.His65Gln (NM_001321431.2); short protein forms H65Q.
Identifiers: ClinVar variation 1924339 (VCV001924339.5), dbSNP rs767691659, ClinGen allele CA403727029.
Genomic context (GRCh38, chr19:8,147,159, plus strand): 5'-CTCACGTACGACACACTGGCTCCTGCCAGGGAATGTCCTCCAGCCTGGACAGCAGTAGGC[A>C]TGGAACCGGGAGCCGCACACATTCGGCCTTCGGGGACAGCGAGATGGGTCTGGTGAGCCC-3'
Protein context (NP_115823.3, residues 55-75): QGPNVCGSRF[His65Gln]AYCCPGWRTF